The following is an entry in ClinVar:

ClinVar aggregate classification (germline): Uncertain significance (1 of 4 stars; one submission).

gnomAD v4.1: 21 of 1,612,782 alleles (0.0013%); highest among the groups gnomAD compares: Non-Finnish European, 0.0017%; no homozygotes.

Submission:

Labcorp Genetics (formerly Invitae), Labcorp
Classification: Uncertain significance. Last evaluated: 2021-07-28. Review status: criteria provided, single submitter. Criteria: Invitae Variant Classification Sherloc (09022015). Collection method: clinical testing. Allele origin: germline.
Comment: In summary, the available evidence is currently insufficient to determine the role of this variant in disease. Therefore, it has been classified as a Variant of Uncertain Significance. Advanced modeling of protein sequence and biophysical properties (such as structural, functional, and spatial information, amino acid conservation, physicochemical variation, residue mobility, and thermodynamic stability) performed at Invitae indicates that this missense variant is not expected to disrupt CPLANE1 protein function. This variant has not been reported in the literature in individuals affected with CPLANE1-related conditions. This variant is not present in population databases (ExAC no frequency). This sequence change replaces glycine with valine at codon 1248 of the CPLANE1 protein (p.Gly1248Val). The glycine residue is moderately conserved and there is a moderate physicochemical difference between glycine and valine.

NM_001384732.1(CPLANE1):c.3743G>T (p.Gly1248Val)

Gene: CPLANE1 (ciliogenesis and planar polarity effector complex subunit 1; minus strand). Cytogenetic location: 5p13.2.
Variant type: single nucleotide variant.
Coding change: c.3743G>T on transcript NM_001384732.1 (MANE Select); coding-DNA position 3743, G replaced by T.
Protein change: p.Gly1248Val; replaces glycine 1248 with valine.
Molecular consequence: missense variant.
Genome position (GRCh38, 1-based): chr5:37,195,926, C>A on the plus strand (G>T on the coding strand, the complement: CPLANE1 is on the minus strand). VCF-style: chr5-37195926-C-A. GRCh37 (hg19) VCF-style: chr5-37196028-C-A.
Other names: c.3743G>T, p.Gly1248Val (NM_023073.4); short protein forms G1248V.
Identifiers: ClinVar variation 1440284 (VCV001440284.4), dbSNP rs72736758, ClinGen allele CA117075227.